The following is an entry in ClinVar:

ClinVar aggregate classification (germline): Uncertain significance (1 of 4 stars; one submission).

gnomAD v4.1: 1 of 1,610,030 alleles (0.000062%); highest among the groups gnomAD compares: Non-Finnish European, 0.000085%; no homozygotes.

Submission:

Labcorp Genetics (formerly Invitae), Labcorp
Classification: Uncertain significance. Last evaluated: 2026-01-19. Review status: criteria provided, single submitter. Criteria: Invitae Variant Classification Sherloc (09022015). Collection method: clinical testing. Allele origin: germline.
Comment: This sequence change replaces serine, which is neutral and polar, with alanine, which is neutral and non-polar, at codon 176 of the IARS2 protein (p.Ser176Ala). This variant is not present in population databases (gnomAD no frequency). This variant has not been reported in the literature in individuals affected with IARS2-related conditions. ClinVar contains an entry for this variant (Variation ID: 1376981). An algorithm developed to predict the effect of missense changes on protein structure and function (PolyPhen-2) suggests that this variant is likely to be disruptive. In summary, the available evidence is currently insufficient to determine the role of this variant in disease. Therefore, it has been classified as a Variant of Uncertain Significance.

NM_018060.4(IARS2):c.526T>G (p.Ser176Ala)

Gene: IARS2 (isoleucyl-tRNA synthetase 2, mitochondrial; plus strand). Cytogenetic location: 1q41.
Variant type: single nucleotide variant.
Coding change: c.526T>G on transcript NM_018060.4 (MANE Select); coding-DNA position 526, T replaced by G.
Protein change: p.Ser176Ala; replaces serine 176 with alanine.
Molecular consequence: missense variant.
Genome position (GRCh38, 1-based): chr1:220,100,625, T>G. VCF-style: chr1-220100625-T-G. GRCh37 (hg19) VCF-style: chr1-220273967-T-G.
Other names: short protein forms S176A.
Identifiers: ClinVar variation 1376981 (VCV001376981.6), dbSNP rs1370909726, ClinGen allele CA344624347.